The following is an entry in ClinVar:

ClinVar aggregate classification (germline): Uncertain significance (1 of 4 stars; one submission).

Submission:

GeneDx
Classification: Uncertain significance. Last evaluated: 2020-06-25. Review status: criteria provided, single submitter. Criteria: GeneDx Variant Classification Process June 2021. Collection method: clinical testing. Allele origin: germline. Affected: yes.
Comment: Not observed in large population cohorts (Lek et al., 2016); In silico analysis supports that this missense variant does not alter protein structure/function; Has not been previously published as pathogenic or benign to our knowledge

NM_000027.4(AGA):c.49T>C (p.Cys17Arg)

Gene: AGA (aspartylglucosaminidase; minus strand). Cytogenetic location: 4q34.3.
Variant type: single nucleotide variant.
Coding change: c.49T>C on transcript NM_000027.4 (MANE Select); coding-DNA position 49, T replaced by C.
Protein change: p.Cys17Arg; replaces cysteine 17 with arginine.
Molecular consequence: missense variant. On other transcripts: non-coding transcript variant (1).
Genome position (GRCh38, 1-based): chr4:177,442,327, A>G on the plus strand (T>C on the coding strand, the complement: AGA is on the minus strand). VCF-style: chr4-177442327-A-G. GRCh37 (hg19) VCF-style: chr4-178363481-A-G.
Other names: c.49T>C, p.Cys17Arg (NM_001171988.2); short protein forms C17R.
Identifiers: ClinVar variation 1312698 (VCV001312698.2), dbSNP rs2111028342, ClinGen allele CA358785133.
Genomic context (GRCh38, chr4:177,442,327, plus strand): 5'-TAAAGGGCCAAGTGTTGACGACCAGGGGCAGAGGGCTGGAGCAGCGCACTAGGGCCTGGC[A>G]GAGCAGAAACGGCACGAGAAGCACAGGCAAGTTCGACTTCCGCGCCATCCCTGACCACCG-3'
Protein context (NP_000018.2, residues 7-27): LPVLLVPFLL[Cys17Arg]QALVRCSSPL